The following is an entry in ClinVar:

ClinVar aggregate classification (germline): Uncertain significance (1 of 4 stars; one submission).

Conditions:
Early-infantile DEE. Also called: Ohtahara syndrome; Early infantile epileptic encephalopathy with suppression bursts; Early infantile epileptic encephalopathy. Identifiers: Orphanet 1934, MedGen C0393706, MONDO:0800491.

Submission:

Labcorp Genetics (formerly Invitae), Labcorp
Classification: Uncertain significance for Early-infantile DEE. Last evaluated: 2022-07-25. Review status: criteria provided, single submitter. Criteria: Invitae Variant Classification Sherloc (09022015). Collection method: clinical testing. Allele origin: germline.
Comment: Algorithms developed to predict the effect of missense changes on protein structure and function are either unavailable or do not agree on the potential impact of this missense change (SIFT: "Deleterious"; PolyPhen-2: "Probably Damaging"; Align-GVGD: "Class C0"). In summary, the available evidence is currently insufficient to determine the role of this variant in disease. Therefore, it has been classified as a Variant of Uncertain Significance. ClinVar contains an entry for this variant (Variation ID: 1464585). This variant has not been reported in the literature in individuals affected with ST3GAL3-related conditions. This variant is not present in population databases (gnomAD no frequency). This sequence change replaces glutamic acid, which is acidic and polar, with lysine, which is basic and polar, at codon 279 of the ST3GAL3 protein (p.Glu279Lys).

NM_006279.5(ST3GAL3):c.835G>A (p.Glu279Lys)

Gene: ST3GAL3 (ST3 beta-galactoside alpha-2,3-sialyltransferase 3; plus strand). Cytogenetic location: 1p34.1.
Variant type: single nucleotide variant.
Coding change: c.835G>A on transcript NM_006279.5 (MANE Select); coding-DNA position 835, G replaced by A.
Protein change: p.Glu279Lys; replaces glutamic acid 279 with lysine.
Molecular consequence: missense variant. On other transcripts: non-coding transcript variant (6), intron variant (11).
Genome position (GRCh38, 1-based): chr1:43,920,494, G>A. VCF-style: chr1-43920494-G-A. GRCh37 (hg19) VCF-style: chr1-44386166-G-A.
Other names: c.745G>A, p.Glu249Lys (NM_001270459.2); c.742G>A, p.Glu248Lys (NM_001270460.2); c.880G>A, p.Glu294Lys (NM_001350619.2, NM_174964.4); c.835G>A, p.Glu279Lys (NM_001350620.2); c.556G>A, p.Glu186Lys (NM_001350621.2); c.1042G>A, p.Glu348Lys (NM_174963.5); c.997G>A, p.Glu333Lys (NM_174968.5); c.787G>A, p.Glu263Lys (NM_174969.4); and 12 more; short protein forms E186K, E348K, E333K, E263K, E294K, E317K, E248K, E249K.
Identifiers: ClinVar variation 1464585 (VCV001464585.9), dbSNP rs2154295065, ClinGen allele CA340032037.